The following is an entry in ClinVar:

ClinVar aggregate classification (germline): Uncertain significance (1 of 4 stars; one submission).

Submission:

GeneDx
Classification: Uncertain significance. Last evaluated: 2023-11-22. Review status: criteria provided, single submitter. Criteria: GeneDx Variant Classification Process June 2021. Collection method: clinical testing. Allele origin: germline. Affected: yes.
Comment: Not observed at significant frequency in large population cohorts (gnomAD); In silico analysis supports that this missense variant does not alter protein structure/function; Has not been previously published as pathogenic or benign to our knowledge

NM_207037.2(TCF12):c.1287C>G (p.Asp429Glu)

Gene: TCF12 (transcription factor 12; plus strand). Cytogenetic location: 15q21.3.
Variant type: single nucleotide variant.
Coding change: c.1287C>G on transcript NM_207037.2 (MANE Select); coding-DNA position 1287, C replaced by G.
Protein change: p.Asp429Glu; replaces aspartic acid 429 with glutamic acid.
Molecular consequence: missense variant.
Genome position (GRCh38, 1-based): chr15:57,253,288, C>G. VCF-style: chr15-57253288-C-G. GRCh37 (hg19) VCF-style: chr15-57545486-C-G.
Other names: c.777C>G, p.Asp259Glu (NM_001306219.3); c.507C>G, p.Asp169Glu (NM_001306220.3); c.1287C>G, p.Asp429Glu (NM_001322151.2, NM_001322152.2, NM_001322159.3 and 2 more transcripts); c.630C>G, p.Asp210Glu (NM_001322154.2); c.1113C>G, p.Asp371Glu (NM_001322156.2); c.1215C>G, p.Asp405Glu (NM_001322157.3, NM_001322165.2, NM_003205.4 and 1 more transcripts); c.1041C>G, p.Asp347Glu (NM_001322158.2); c.1284C>G, p.Asp428Glu (NM_001322161.2); and 2 more; short protein forms D169E, D210E, D235E, D259E, D347E, D371E, D405E, D417E.
Identifiers: ClinVar variation 3364861 (VCV003364861.1).